The following is an entry in ClinVar:

NM_006231.4(POLE):c.3926A>G (p.Asp1309Gly)

Gene: POLE (DNA polymerase epsilon, catalytic subunit; minus strand). Cytogenetic location: 12q24.33.
Variant type: single nucleotide variant.
Coding change: c.3926A>G on transcript NM_006231.4 (MANE Select); coding-DNA position 3926, A replaced by G.
Protein change: p.Asp1309Gly; replaces aspartic acid 1309 with glycine.
Molecular consequence: missense variant.
Genome position (GRCh38, 1-based): chr12:132,649,385, T>C on the plus strand (A>G on the coding strand, the complement: POLE is on the minus strand). VCF-style: chr12-132649385-T-C. GRCh37 (hg19) VCF-style: chr12-133225971-T-C.
Other names: short protein forms D1309G.
Identifiers: ClinVar variation 240492 (VCV000240492.15), dbSNP rs776828609, ClinGen allele CA6893049.

ClinVar aggregate classification (germline): Conflicting classifications of pathogenicity. Review status: criteria provided, conflicting classifications (1 of 4 stars). 3 submissions from 3 submitters: Uncertain significance (2); Likely benign (1). Last evaluated 2025-12-30.

Conditions:
Hereditary cancer-predisposing syndrome. Also called: Tumor predisposition; Neoplastic Syndromes, Hereditary; Hereditary Cancer Syndrome; Hereditary neoplastic syndrome. Identifiers: Orphanet 140162, MedGen C0027672, MeSH D009386, MONDO:0015356.

Allele frequency attached by ClinVar (database versions not stated): ExAC 0.00001; gnomAD exomes 0.00001; gnomAD 0.00002 and 0.00003; TOPMed 0.00006.
gnomAD v4.1: 10 of 1,613,170 alleles (0.00062%); highest among the groups gnomAD compares: African/African-American, 0.013%; no homozygotes.

Submissions (3):

Labcorp Genetics (formerly Invitae), Labcorp
Classification: Uncertain significance. Last evaluated: 2025-12-30. Review status: criteria provided, single submitter. Criteria: Invitae Variant Classification Sherloc (09022015). Collection method: clinical testing. Allele origin: germline.
Comment: This sequence change replaces aspartic acid, which is acidic and polar, with glycine, which is neutral and non-polar, at codon 1309 of the POLE protein (p.Asp1309Gly). This variant is present in population databases (rs776828609, gnomAD 0.01%). This variant has not been reported in the literature in individuals affected with POLE-related conditions. ClinVar contains an entry for this variant (Variation ID: 240492). Invitae Evidence Modeling of protein sequence and biophysical properties (such as structural, functional, and spatial information, amino acid conservation, physicochemical variation, residue mobility, and thermodynamic stability) indicates that this missense variant is not expected to disrupt POLE protein function with a negative predictive value of 80%. In summary, the available evidence is currently insufficient to determine the role of this variant in disease. Therefore, it has been classified as a Variant of Uncertain Significance.

Ambry Genetics
Classification: Likely benign for Hereditary cancer-predisposing syndrome. Last evaluated: 2025-02-04. Review status: criteria provided, single submitter. Criteria: Ambry Variant Classification Scheme 2023. Collection method: clinical testing. Allele origin: germline.

Quest Diagnostics Nichols Institute San Juan Capistrano
Classification: Uncertain significance. Last evaluated: 2018-03-06. Review status: criteria provided, single submitter. Criteria: Quest Diagnostics criteria. Collection method: clinical testing. Allele origin: germline.